The following is an entry in ClinVar:

NM_152713.5(STT3A):c.1637C>T (p.Thr546Ile)

Gene: STT3A (STT3 oligosaccharyltransferase complex catalytic subunit A; plus strand). Cytogenetic location: 11q24.2.
Variant type: single nucleotide variant.
Coding change: c.1637C>T on transcript NM_152713.5 (MANE Select); coding-DNA position 1637, C replaced by T.
Protein change: p.Thr546Ile; replaces threonine 546 with isoleucine.
Molecular consequence: missense variant.
Genome position (GRCh38, 1-based): chr11:125,614,169, C>T. VCF-style: chr11-125614169-C-T. GRCh37 (hg19) VCF-style: chr11-125484064-C-T.
Other names: c.1637C>T, p.Thr546Ile (NM_001278503.2); c.1361C>T, p.Thr454Ile (NM_001278504.2); short protein forms T546I, T454I.
Identifiers: ClinVar variation 1334776 (VCV001334776.2), dbSNP rs2135940683, ClinGen allele CA383186507.

ClinVar aggregate classification (germline): Uncertain significance. Review status: criteria provided, single submitter (1 of 4 stars). 2 submissions from 2 submitters: Uncertain significance (1). 1 of the submissions does not count toward it. Last evaluated 2022-06-16.

Conditions:
Congenital disorder of glycosylation, type Iw, autosomal dominant (CDG1WAD). Identifiers: MedGen C5562068, MONDO:0859223, OMIM 619714.

Submissions (2):

SIB Swiss Institute of Bioinformatics
Classification: Uncertain significance for Congenital disorder of glycosylation, type Iw, autosomal dominant. Last evaluated: 2022-06-16. Review status: criteria provided, single submitter. Criteria: ACMG Guidelines, 2015. Collection method: curation. Allele origin: unknown.
Comment: This variant is interpreted as variant of uncertain significance for congenital disorder of glycosylation 1W, autosomal dominant. The following ACMG Tag(s) were applied: Absent from controls (or at extremely low frequency if recessive) in Exome Sequencing Project, 1000 Genomes Project, or Exome Aggregation Consortium (PM2); Multiple lines of computational evidence support a deleterious effect on the gene or gene product (PP3); Well-established functional studies show a deleterious effect (PS3 downgraded to moderate).

OMIM
Classification: Pathogenic for CONGENITAL DISORDER OF GLYCOSYLATION, TYPE Iw, AUTOSOMAL DOMINANT. Last evaluated: 2022-01-20. Review status: no assertion criteria provided. Collection method: literature only. Allele origin: germline. Not counted in ClinVar's aggregate classification.

Literature cited by the submitters: PubMed 34653363 (cited by SIB Swiss Institute of Bioinformatics and OMIM).